The following is an entry in ClinVar:

ClinVar aggregate classification (germline): Uncertain significance (1 of 4 stars; one submission).

Submission:

GeneDx
Classification: Uncertain significance. Last evaluated: 2019-09-10. Review status: criteria provided, single submitter. Criteria: GeneDx Variant Classification Process June 2021. Collection method: clinical testing. Allele origin: germline. Affected: yes.
Comment: Not observed in large population cohorts (Lek et al., 2016); In silico analysis, which includes protein predictors and evolutionary conservation, supports a deleterious effect; Has not been previously published as pathogenic or benign to our knowledge

NM_052989.3(IFT122):c.3578A>T (p.Gln1193Leu)

Gene: IFT122 (intraflagellar transport 122; plus strand). Cytogenetic location: 3q22.1.
Variant type: single nucleotide variant.
Coding change: c.3578A>T on transcript NM_052989.3 (MANE Select); coding-DNA position 3578, A replaced by T.
Protein change: p.Gln1193Leu; replaces glutamine 1193 with leucine.
Molecular consequence: missense variant.
Genome position (GRCh38, 1-based): chr3:129,519,674, A>T. VCF-style: chr3-129519674-A-T. GRCh37 (hg19) VCF-style: chr3-129238517-A-T.
Other names: c.3557A>T, p.Gln1186Leu (NM_001280541.2); c.3128A>T, p.Gln1043Leu (NM_001280545.2); c.2951A>T, p.Gln984Leu (NM_001280546.2); c.3401A>T, p.Gln1134Leu (NM_018262.4); c.3731A>T, p.Gln1244Leu (NM_052985.4); c.3248A>T, p.Gln1083Leu (NM_052990.3); short protein forms Q1244L, Q984L, Q1043L, Q1083L, Q1134L, Q1186L, Q1193L.
Identifiers: ClinVar variation 449279 (VCV000449279.3), dbSNP rs1553778313, ClinGen allele CA354492140.